The following is an entry in ClinVar:

ClinVar aggregate classification (germline): Uncertain significance. Review status: criteria provided, multiple submitters, no conflicts (2 of 4 stars). 3 submissions from 3 submitters: Uncertain significance (2). 1 of the submissions does not count toward it. Last evaluated 2025-11-12.

Conditions:
Hereditary cancer-predisposing syndrome. Also called: Tumor predisposition; Hereditary Cancer Syndrome; Hereditary neoplastic syndrome; Neoplastic Syndromes, Hereditary. Identifiers: Orphanet 140162, MedGen C0027672, MeSH D009386, MONDO:0015356.
POLD1-related polyposis and colorectal cancer syndrome (CRCS10). Also called: Colorectal cancer 10; COLORECTAL CANCER, SUSCEPTIBILITY TO, ON CHROMOSOME 19q; Colorectal cancer, susceptibility to, 10. Identifiers: Orphanet 220460, MedGen C2675481, MONDO:0012953, OMIM 612591.

Submissions (3):

Labcorp Genetics (formerly Invitae), Labcorp
Classification: Uncertain significance for POLD1-related polyposis and colorectal cancer syndrome. Last evaluated: 2025-11-12. Review status: criteria provided, single submitter. Criteria: Invitae Variant Classification Sherloc (09022015). Collection method: clinical testing. Allele origin: germline.
Comment: This sequence change replaces aspartic acid, which is acidic and polar, with tyrosine, which is neutral and polar, at codon 877 of the POLD1 protein (p.Asp877Tyr). This variant is not present in population databases (gnomAD no frequency). This variant has not been reported in the literature in individuals affected with POLD1-related conditions. ClinVar contains an entry for this variant (Variation ID: 1015150). Invitae Evidence Modeling of protein sequence and biophysical properties (such as structural, functional, and spatial information, amino acid conservation, physicochemical variation, residue mobility, and thermodynamic stability) indicates that this missense variant is expected to disrupt POLD1 protein function with a positive predictive value of 80%. In summary, the available evidence is currently insufficient to determine the role of this variant in disease. Therefore, it has been classified as a Variant of Uncertain Significance.

Ambry Genetics
Classification: Uncertain significance for Hereditary cancer-predisposing syndrome. Last evaluated: 2024-11-08. Review status: criteria provided, single submitter. Criteria: Ambry Variant Classification Scheme 2023. Collection method: clinical testing. Allele origin: germline.
Comment: The p.D877Y variant (also known as c.2629G>T), located in coding exon 20 of the POLD1 gene, results from a G to T substitution at nucleotide position 2629. The aspartic acid at codon 877 is replaced by tyrosine, an amino acid with highly dissimilar properties. This amino acid position is well conserved in available vertebrate species. In addition, the in silico prediction for this alteration is inconclusive. Based on the available evidence, the clinical significance of this variant remains unclear.

Zotz-Klimas Genetics Lab, MVZ Zotz Klimas
Classification: Uncertain significance for POLD1-related polyposis and colorectal cancer syndrome. Last evaluated: 2023-11-24. Review status: no assertion criteria provided. Collection method: clinical testing. Allele origin: germline. Affected: yes. Not counted in ClinVar's aggregate classification.

NM_002691.4(POLD1):c.2629G>T (p.Asp877Tyr)

Gene: POLD1 (DNA polymerase delta 1, catalytic subunit; plus strand). Cytogenetic location: 19q13.33.
Variant type: single nucleotide variant.
Coding change: c.2629G>T on transcript NM_002691.4 (MANE Select); coding-DNA position 2629, G replaced by T.
Protein change: p.Asp877Tyr; replaces aspartic acid 877 with tyrosine.
Molecular consequence: missense variant. On other transcripts: non-coding transcript variant (1).
Genome position (GRCh38, 1-based): chr19:50,415,502, G>T. VCF-style: chr19-50415502-G-T. GRCh37 (hg19) VCF-style: chr19-50918759-G-T.
Other names: c.2629G>T, p.Asp877Tyr (NM_001256849.1); c.2707G>T, p.Asp903Tyr (NM_001308632.1); c.2629G>T (NM_002691.2); short protein forms D877Y, D903Y.
Identifiers: ClinVar variation 1015150 (VCV001015150.10), dbSNP rs1555793039, ClinGen allele CA406985482.